The following is an entry in ClinVar:

NM_001329943.3(KIAA0586):c.4160C>T (p.Thr1387Ile)

Gene: KIAA0586 (KIAA0586; plus strand). Cytogenetic location: 14q23.1.
Variant type: single nucleotide variant.
Coding change: c.4160C>T on transcript NM_001329943.3 (MANE Select); coding-DNA position 4160, C replaced by T.
Protein change: p.Thr1387Ile; replaces threonine 1387 with isoleucine.
Molecular consequence: missense variant.
Genome position (GRCh38, 1-based): chr14:58,498,952, C>T. VCF-style: chr14-58498952-C-T. GRCh37 (hg19) VCF-style: chr14-58965670-C-T.
Other names: c.4319C>T, p.Thr1440Ile (NM_001244189.2); c.4115C>T, p.Thr1372Ile (NM_001244190.2); c.3905C>T, p.Thr1302Ile (NM_001244191.2, NM_001329945.2, NM_001364700.1 and 1 more transcripts); c.4028C>T, p.Thr1343Ile (NM_001244192.2, NM_001329947.2); c.3740C>T, p.Thr1247Ile (NM_001244193.2); c.4160C>T, p.Thr1387Ile (NM_001329944.2, NM_001329946.2); c.3932C>T, p.Thr1311Ile (NM_014749.5); short protein forms T1311I, T1440I, T1302I, T1372I, T1247I, T1343I, T1387I.
Identifiers: ClinVar variation 475452 (VCV000475452.14), dbSNP rs376795880, ClinGen allele CA7206331.

ClinVar aggregate classification (germline): Conflicting classifications of pathogenicity. Review status: criteria provided, conflicting classifications (1 of 4 stars). 5 submissions from 5 submitters: Uncertain significance (4); Benign (1). Last evaluated 2025-05-20.

Conditions:
Joubert syndrome 23 (JBTS23). Identifiers: Orphanet 475, MedGen C4084822, MONDO:0014664, OMIM 616490.
Short-rib thoracic dysplasia 14 with polydactyly (SRTD14). Identifiers: Orphanet 397715, MedGen C4225286, MONDO:0014688, OMIM 616546.

Allele frequency attached by ClinVar (database versions not stated): gnomAD exomes 0.00003 and 0.00014; ExAC 0.00023; ESP Exome Variant Server 0.00033; gnomAD 0.00046 and 0.00049; TOPMed 0.00053.
gnomAD v4.1: 122 of 1,598,520 alleles (0.0076%); highest among the groups gnomAD compares: African/African-American, 0.14%; no homozygotes.

Submissions (5):

GeneDx
Classification: Uncertain significance. Last evaluated: 2025-05-20. Review status: criteria provided, single submitter. Criteria: GeneDx Variant Classification Process June 2021. Collection method: clinical testing. Allele origin: germline. Affected: yes.
Comment: In silico analysis suggests that this missense variant does not alter protein structure/function; Has not been previously published as pathogenic or benign to our knowledge

Johns Hopkins Genomics, Johns Hopkins University
Classification: Uncertain significance for Joubert syndrome 23. Last evaluated: 2023-05-17. Review status: criteria provided, single submitter. Criteria: ACMG Guidelines, 2015. Collection method: clinical testing. Allele origin: germline.
Comment: This KIAA0586 missense variant (rs376795880) is present in a large population dataset (gnomAD v3.1.2: 69/152128 total alleles; 0.045%; no homozygotes). It has been reported in ClinVar (Variation ID 475452), but has not been reported in the literature, to our knowledge. Two bioinformatic tools queried predict that this substitution would be tolerated. While the threonine residue at this position is evolutionarily conserved across many of the species assessed, several species have a different amino acid at this position, including a few with isoleucine. We consider the clinical significance of c.4319C>T; p.Thr1440Ile in KIAA0586 to be uncertain at this time.

Blueprint Genetics
Classification: Benign. Last evaluated: 2022-10-20. Review status: criteria provided, single submitter. Criteria: ACMG Guidelines, 2015. Collection method: clinical testing. Allele origin: germline.

Labcorp Genetics (formerly Invitae), Labcorp
Classification: Uncertain significance for Joubert syndrome 23; Short-rib thoracic dysplasia 14 with polydactyly. Last evaluated: 2022-08-23. Review status: criteria provided, single submitter. Criteria: Invitae Variant Classification Sherloc (09022015). Collection method: clinical testing. Allele origin: germline.
Comment: This sequence change replaces threonine, which is neutral and polar, with isoleucine, which is neutral and non-polar, at codon 1440 of the KIAA0586 protein (p.Thr1440Ile). This variant is present in population databases (rs376795880, gnomAD 0.1%). This variant has not been reported in the literature in individuals affected with KIAA0586-related conditions. ClinVar contains an entry for this variant (Variation ID: 475452). Algorithms developed to predict the effect of missense changes on protein structure and function output the following: SIFT: "Deleterious"; PolyPhen-2: "Benign"; Align-GVGD: "Class C0". The isoleucine amino acid residue is found in multiple mammalian species, which suggests that this missense change does not adversely affect protein function. In summary, the available evidence is currently insufficient to determine the role of this variant in disease. Therefore, it has been classified as a Variant of Uncertain Significance.

Revvity Omics, Revvity
Classification: Uncertain significance. Last evaluated: 2022-03-02. Review status: criteria provided, single submitter. Criteria: ACMG Guidelines, 2015. Collection method: clinical testing. Allele origin: germline.